The following is an entry in ClinVar:

ClinVar aggregate classification (germline): Likely pathogenic. Review status: criteria provided, multiple submitters, no conflicts (2 of 4 stars). 2 submissions from 2 submitters: Likely pathogenic (2). Last evaluated 2025-07-16.

Conditions:
Familial thoracic aortic aneurysm and aortic dissection (TAAD). Also called: Thoracic aortic aneurysms and dissections. Identifiers: Orphanet 91387, MedGen C4707243, MONDO:0019625.
Marfan syndrome (MFS). Also called: MARFAN SYNDROME, TYPE I; Marfan syndrome type 1; Marfan's syndrome; Marfan syndrome, classic; FBN1-Related Marfan Syndrome. Identifiers: Orphanet 284963, Orphanet 558, MedGen C0024796, MONDO:0007947, OMIM 154700.

Submissions (2):

Labcorp Genetics (formerly Invitae), Labcorp
Classification: Likely pathogenic for Marfan syndrome; Familial thoracic aortic aneurysm and aortic dissection. Last evaluated: 2025-07-16. Review status: criteria provided, single submitter. Criteria: Invitae Variant Classification Sherloc (09022015). Collection method: clinical testing. Allele origin: germline.
Comment: This sequence change affects a donor splice site in intron 61 of the FBN1 gene. It is expected to disrupt RNA splicing. Variants that disrupt the donor or acceptor splice site typically lead to a loss of protein function (PMID: 16199547), and loss-of-function variants in FBN1 are known to be pathogenic (PMID: 17657824, 19293843). This variant is not present in population databases (gnomAD no frequency). This variant has not been reported in the literature in individuals affected with FBN1-related conditions. Algorithms developed to predict the effect of sequence changes on RNA splicing suggest that this variant may disrupt the consensus splice site. In summary, the currently available evidence indicates that the variant is pathogenic, but additional data are needed to prove that conclusively. Therefore, this variant has been classified as Likely Pathogenic.

Ambry Genetics
Classification: Likely pathogenic for Familial thoracic aortic aneurysm and aortic dissection. Last evaluated: 2025-07-07. Review status: criteria provided, single submitter. Criteria: Ambry Variant Classification Scheme 2023. Collection method: clinical testing. Allele origin: germline.
Comment: The c.7570+1G>T intronic variant results from a G to T substitution one nucleotide after coding exon 60 of the FBN1 gene. Alterations that disrupt the canonical splice site are expected to result in aberrant splicing. In silico splice site analysis predicts that this alteration will weaken the native splice donor site and may result in the creation or strengthening of a novel splice donor site. A resulting transcript is predicted to be in-frame and is not expected to trigger nonsense-mediated mRNAdecay; although, direct evidence is unavailable. However, the region predicted to be impacted is critical for protein function (Ambry internal data). Other variant(s) impacting the acceptor site (c.7454-1G>A) have been identified in individual(s) with features consistent with Marfan syndrome (Ambry internal data). This variant is considered to be rare based on population cohorts in the Genome Aggregation Database (gnomAD). This nucleotide position is highly conserved in available vertebrate species. Based on the majority of available evidence to date, this variant is likely to be pathogenic.

Literature cited by the submitters: PubMed 16199547 (cited by Labcorp Genetics (formerly Invitae), Labcorp); PubMed 17657824 (cited by Labcorp Genetics (formerly Invitae), Labcorp); PubMed 19293843 (cited by Labcorp Genetics (formerly Invitae), Labcorp).

NM_000138.5(FBN1):c.7570+1G>T

Gene: FBN1 (fibrillin 1; minus strand). Cytogenetic location: 15q21.1.
Variant type: single nucleotide variant.
Coding change: c.7570+1G>T on transcript NM_000138.5 (MANE Select); the canonical splice donor site of the intron after coding-DNA position 7570, G replaced by T.
Molecular consequence: splice donor variant.
Genome position (GRCh38, 1-based): chr15:48,421,951, C>A on the plus strand (G>T on the coding strand, the complement: FBN1 is on the minus strand). VCF-style: chr15-48421951-C-A. GRCh37 (hg19) VCF-style: chr15-48714148-C-A.
Other names: c.7570+1G>T (NM_001406716.1).
Identifiers: ClinVar variation 4255455 (VCV004255455.2).